The following is an entry in ClinVar:

NM_000051.4(ATM):c.6002T>G (p.Leu2001Ter)

Genes: ATM (ATM serine/threonine kinase; plus strand), C11orf65 (chromosome 11 open reading frame 65; minus strand). Cytogenetic location: 11q22.3.
Variant type: single nucleotide variant.
Coding change: c.6002T>G on transcript NM_000051.4 (MANE Select); coding-DNA position 6002, T replaced by G.
Protein change: p.Leu2001Ter; replaces leucine 2001 with a stop codon.
Molecular consequence: nonsense. On other transcripts: intron variant (2).
Genome position (GRCh38, 1-based): chr11:108,312,494, T>G. VCF-style: chr11-108312494-T-G. GRCh37 (hg19) VCF-style: chr11-108183221-T-G.
Other names: c.6002T>G, p.Leu2001Ter (NM_001351834.2); c.641-3423A>C (NM_001330368.2); c.*39-3423A>C (NM_001351110.2); short protein forms L2001*.
Identifiers: ClinVar variation 481256 (VCV000481256.10), dbSNP rs1555111910, ClinGen allele CA382548810.

ClinVar aggregate classification (germline): Pathogenic/Likely pathogenic. Review status: criteria provided, multiple submitters, no conflicts (2 of 4 stars). 3 submissions from 3 submitters: Pathogenic (2); Likely pathogenic (1). Last evaluated 2025-02-12.

Conditions:
Hereditary cancer-predisposing syndrome. Also called: Neoplastic Syndromes, Hereditary; Hereditary Cancer Syndrome; Tumor predisposition; Hereditary neoplastic syndrome. Identifiers: Orphanet 140162, MedGen C0027672, MeSH D009386, MONDO:0015356.
Familial cancer of breast. Also called: Hereditary breast cancer; BREAST CANCER, FAMILIAL; hereditary breast carcinoma. Identifiers: Orphanet 227535, MedGen C0346153, MONDO:0016419, OMIM 114480. Disease mechanism: loss of function.

Submissions (3):

Myriad Genetics, Inc.
Classification: Pathogenic for Familial cancer of breast. Last evaluated: 2025-02-12. Review status: criteria provided, single submitter. Criteria: Myriad Autosomal Dominant, Autosomal Recessive and X-Linked Classification Criteria (2023). Collection method: clinical testing. Allele origin: unknown.
Comment: This variant is considered pathogenic. This variant creates a termination codon and is predicted to result in premature protein truncation.

Baylor Genetics
Classification: Likely pathogenic for Familial cancer of breast. Last evaluated: 2024-02-25. Review status: criteria provided, single submitter. Criteria: ACMG Guidelines, 2015. Collection method: clinical testing. Allele origin: unknown.

Ambry Genetics
Classification: Pathogenic for Hereditary cancer-predisposing syndrome. Last evaluated: 2016-06-06. Review status: criteria provided, single submitter. Criteria: Ambry Variant Classification Scheme 2023. Collection method: clinical testing. Allele origin: germline.
Comment: The p.L2001* pathogenic mutation (also known as c.6002T>G), located in coding exon 39 of the ATM gene, results from a T to G substitution at nucleotide position 6002. This changes the amino acid from a leucine to a stop codon within coding exon 39. Since premature stop codons are typically deleterious in nature, this alteration is interpreted as a disease-causing mutation (ACMG Recommendations for Standards for Interpretation and Reporting of Sequence Variations. Revision 2007. Genet Med. 2008;10:294).